The following is an entry in ClinVar:

ClinVar aggregate classification (germline): Uncertain significance (1 of 4 stars; one submission).

Conditions:
Epidermolysis bullosa simplex 3, localized or generalized intermediate, with BP230 deficiency (EBS3). Also called: Epidermolysis bullosa simplex, autosomal recessive 2; Epidermolysis bullosa simplex due to BP230 deficiency. Identifiers: Orphanet 412181, MedGen C3809470, MONDO:0014180, OMIM 615425.
Hereditary sensory and autonomic neuropathy type 6. Also called: Neuropathy, hereditary sensory and autonomic, type VI; HSAN VI. Identifiers: Orphanet 314381, MedGen C3539003, MONDO:0013839, OMIM 614653.

gnomAD v4.1: 2 of 1,613,588 alleles (0.00012%); highest among the groups gnomAD compares: Non-Finnish European, 0.00017%; no homozygotes.

Submission:

Labcorp Genetics (formerly Invitae), Labcorp
Classification: Uncertain significance for Epidermolysis bullosa simplex 3, localized or generalized intermediate, with BP230 deficiency; Hereditary sensory and autonomic neuropathy type 6. Last evaluated: 2022-08-31. Review status: criteria provided, single submitter. Criteria: Invitae Variant Classification Sherloc (09022015). Collection method: clinical testing. Allele origin: germline.
Comment: This sequence change replaces arginine, which is basic and polar, with leucine, which is neutral and non-polar, at codon 759 of the DST protein (p.Arg759Leu). Algorithms developed to predict the effect of missense changes on protein structure and function (SIFT, PolyPhen-2, Align-GVGD) all suggest that this variant is likely to be disruptive. In summary, the available evidence is currently insufficient to determine the role of this variant in disease. Therefore, it has been classified as a Variant of Uncertain Significance. This variant is not present in population databases (gnomAD no frequency). This variant has not been reported in the literature in individuals affected with DST-related conditions. ClinVar contains an entry for this variant (Variation ID: 1042891).

NM_001374736.1(DST):c.3887G>T (p.Arg1296Leu)

Gene: DST (dystonin; minus strand). Cytogenetic location: 6p12.1.
Variant type: single nucleotide variant.
Coding change: c.3887G>T on transcript NM_001374736.1 (MANE Select); coding-DNA position 3887, G replaced by T.
Protein change: p.Arg1296Leu; replaces arginine 1296 with leucine.
Molecular consequence: missense variant.
Genome position (GRCh38, 1-based): chr6:56,631,959, C>A on the plus strand (G>T on the coding strand, the complement: DST is on the minus strand). VCF-style: chr6-56631959-C-A. GRCh37 (hg19) VCF-style: chr6-56496757-C-A.
Other names: c.3788G>T, p.Arg1263Leu (NM_001144769.5); c.3374G>T, p.Arg1125Leu (NM_001144770.2); c.3887G>T, p.Arg1296Leu (NM_001374722.1); c.3254G>T, p.Arg1085Leu (NM_001374729.1, NM_001374730.1, NM_001386100.1 and 1 more transcripts); c.3914G>T, p.Arg1305Leu (NM_001374734.1); c.2276G>T, p.Arg759Leu (NM_001723.7, NM_015548.5); short protein forms R1125L, R1263L, R1296L, R759L, R1085L, R1305L.
Identifiers: ClinVar variation 1042891 (VCV001042891.9), dbSNP rs775800563, ClinGen allele CA364574903.
Genomic context (GRCh38, chr6:56,631,959, plus strand): 5'-CTGAACACACTTTCATGCAAATCATCTCTTTCCAGGGGAGTTCGAATCTGTCTAATCAGC[C>A]GATCTTCACAGTTCTCTAACCGAAGTCTAATGTTTCGAACTTCAGAGATGTAGAGATTAT-3'
Protein context (NP_001361665.1, residues 1286-1306): IRLRLENCED[Arg1296Leu]LIRQIRTPLE